The following is an entry in ClinVar:

NM_000455.5(STK11):c.241AAG[3] (p.Lys84del)

Gene: STK11 (serine/threonine kinase 11; plus strand). Cytogenetic location: 19p13.3.
Variant type: Microsatellite.
Coding change: c.241AAG[3] on transcript NM_000455.5 (MANE Select); three copies in a row of the 3-base unit AAG starting at c.241; the reference has four copies in a row; one copy, 3 bases deleted; also written c.250_252del.
Protein change: p.Lys84del; deletes lysine 84.
Molecular consequence: inframe deletion.
Genome position (GRCh38, 1-based): chr19:1,207,163-1,207,165, AAG deleted; deleting any 3 consecutive bases within chr19:1,207,154-1,207,165 gives the same sequence; the position shown is the placement nearest the transcript's 3' end. VCF-style (leftmost placement, unchanged base first): chr19-1207153-CAAG-C. GRCh37 (hg19) VCF-style: chr19-1207152-CAAG-C.
Other names: c.250_252delAAG (NM_000455.4); c.250_252del (NM_000455.5); short protein forms K84del.
Identifiers: ClinVar variation 141849 (VCV000141849.22), dbSNP rs587782056, ClinGen allele CA022751.

ClinVar aggregate classification (germline): Conflicting classifications of pathogenicity. Review status: criteria provided, conflicting classifications (1 of 4 stars). 4 submissions from 4 submitters: Uncertain significance (3); Likely benign (1). Last evaluated 2025-10-06.

Conditions:
Hereditary cancer-predisposing syndrome. Also called: Neoplastic Syndromes, Hereditary; Hereditary Cancer Syndrome; Hereditary neoplastic syndrome; Tumor predisposition. Identifiers: Orphanet 140162, MedGen C0027672, MeSH D009386, MONDO:0015356.
Melanoma, cutaneous malignant, susceptibility to, 1 (CMM1). Also called: MELANOMA, MALIGNANT; DYSPLASTIC NEVUS SYNDROME, HEREDITARY; FAMILIAL ATYPICAL MOLE-MALIGNANT MELANOMA SYNDROME; B-K MOLE SYNDROME. Identifiers: Orphanet 618, MedGen C1835047, MONDO:0007963, OMIM 155600.
Peutz-Jeghers syndrome (PJS). Also called: Peutz-Jeghers polyposis; Periorificial lentiginosis syndrome; POLYPOSIS, HAMARTOMATOUS INTESTINAL; POLYPS-AND-SPOTS SYNDROME. Identifiers: Orphanet 2869, MedGen C0031269, MeSH D010580, MONDO:0008280, OMIM 175200.

Submissions (4):

Labcorp Genetics (formerly Invitae), Labcorp
Classification: Likely benign for Peutz-Jeghers syndrome. Last evaluated: 2025-10-06. Review status: criteria provided, single submitter. Criteria: Invitae Variant Classification Sherloc (09022015). Collection method: clinical testing. Allele origin: germline.

Ambry Genetics
Classification: Uncertain significance for Hereditary cancer-predisposing syndrome. Last evaluated: 2025-03-13. Review status: criteria provided, single submitter. Criteria: Ambry Variant Classification Scheme 2023. Collection method: clinical testing. Allele origin: germline.
Comment: The c.250_252delAAG variant (also known as p.K84del) is located in coding exon 1 of the STK11 gene. This variant results from an in-frame AAG deletion at nucleotide positions 250 to 252. This results in the in-frame deletion of a lysine at codon 84. The deleted amino acid position is highly conserved in available vertebrate species. In addition, this alteration is predicted to be deleterious by in silico analysis (Choi Y et al. PLoS ONE. 2012; 7(10):e46688). Since supporting evidence is limited at this time, the clinical significance of this alteration remains unclear.

Color Diagnostics, LLC DBA Color Health
Classification: Uncertain significance for Hereditary cancer-predisposing syndrome. Last evaluated: 2024-03-28. Review status: criteria provided, single submitter. Criteria: ACMG Guidelines, 2015. Collection method: clinical testing. Allele origin: germline.
Comment: This variant causes an in-frame deletion of one amino acid at codon 84 in the STK11 protein. To our knowledge, functional studies have not been performed for this variant. This variant has not been reported as a germline mutation in individuals affected with hereditary cancer in the literature. This variant has been identified in 1/243760 chromosomes in the general population by the Genome Aggregation Database (gnomAD). The available evidence is insufficient to determine the role of this variant in disease conclusively. Therefore, this variant is classified as a Variant of Uncertain Significance.

Baylor Genetics
Classification: Uncertain significance for Melanoma, cutaneous malignant, susceptibility to, 1. Last evaluated: 2024-02-29. Review status: criteria provided, single submitter. Criteria: ACMG Guidelines, 2015. Collection method: clinical testing. Allele origin: unknown.

Literature cited by the submitters: PubMed 25299233 (cited by Ambry Genetics).